The following is an entry in ClinVar:

NM_024642.5(GALNT12):c.1492T>C (p.Tyr498His)

Gene: GALNT12 (polypeptide N-acetylgalactosaminyltransferase 12; plus strand). Cytogenetic location: 9q22.33.
Variant type: single nucleotide variant.
Coding change: c.1492T>C on transcript NM_024642.5 (MANE Select); coding-DNA position 1492, T replaced by C.
Protein change: p.Tyr498His; replaces tyrosine 498 with histidine.
Molecular consequence: missense variant.
Genome position (GRCh38, 1-based): chr9:98,846,010, T>C. VCF-style: chr9-98846010-T-C. GRCh37 (hg19) VCF-style: chr9-101608292-T-C.
Other names: short protein forms Y498H.
Identifiers: ClinVar variation 819361 (VCV000819361.6), dbSNP rs1588459528, ClinGen allele CA374221657.

ClinVar aggregate classification (germline): Uncertain significance (1 of 4 stars; one submission).

Allele frequency attached by ClinVar (database versions not stated): gnomAD exomes below 0.00001.

Submission:

Ambry Genetics
Classification: Uncertain significance. Last evaluated: 2025-09-26. Review status: criteria provided, single submitter. Criteria: Ambry Variant Classification Scheme 2023. Collection method: clinical testing. Allele origin: germline.
Comment: The p.Y498H variant (also known as c.1492T>C), located in coding exon 9 of the GALNT12 gene, results from a T to C substitution at nucleotide position 1492. The tyrosine at codon 498 is replaced by histidine, an amino acid with similar properties. This amino acid position is highly conserved in available vertebrate species. In addition, the in silico prediction for this alteration is inconclusive. Since supporting evidence is limited at this time, the clinical significance of this alteration remains unclear.